The following is an entry in ClinVar:

NM_000371.4(TTR):c.263T>C (p.Ile88Thr)

Gene: TTR (transthyretin; plus strand). Cytogenetic location: 18q12.1.
Variant type: single nucleotide variant.
Coding change: c.263T>C on transcript NM_000371.4 (MANE Select); coding-DNA position 263, T replaced by C.
Protein change: p.Ile88Thr; replaces isoleucine 88 with threonine.
Molecular consequence: missense variant.
Genome position (GRCh38, 1-based): chr18:31,595,182, T>C. VCF-style: chr18-31595182-T-C. GRCh37 (hg19) VCF-style: chr18-29175145-T-C.
Other names: short protein forms I88T.
Identifiers: ClinVar variation 572251 (VCV000572251.18), dbSNP rs1567946180, ClinGen allele CA402157011.
Genomic context (GRCh38, chr18:31,595,182, plus strand): 5'-AAACCAGTGAGTCTGGAGAGCTGCATGGGCTCACAACTGAGGAGGAATTTGTAGAAGGGA[T>C]ATACAAAGTGGAAATAGACACCAAATCTTACTGGAAGGCACTTGGCATCTCCCCATTCCA-3'
Protein context (NP_000362.1, residues 78-98): LTTEEEFVEG[Ile88Thr]YKVEIDTKSY

ClinVar aggregate classification (germline): Uncertain significance. Review status: criteria provided, multiple submitters, no conflicts (2 of 4 stars). 4 submissions from 4 submitters: Uncertain significance (4). Last evaluated 2025-09-23.

Conditions:
Cardiovascular phenotype. Identifiers: MedGen CN230736.
Carpal tunnel syndrome 1 (CTS1). Also called: Carpal tunnel syndrome, familial. Identifiers: MedGen C5779776, MONDO:0020730, OMIM 115430.
Hyperthyroxinemia, dystransthyretinemic. Also called: EUTHRYROIDAL HYPERTHYROXINEMIA 2; HYPERTHYROXINEMIA, DYSPREALBUMINEMIC. Identifiers: MedGen C2750824, MONDO:0007785, OMIM 145680.
Amyloidosis, hereditary systemic 1 (AMYLD1). Also called: Hereditary oculoleptomeningeal amyloid angiopathy; Familial Transthyretin Amyloidosis; AMYLOID CARDIOMYOPATHY; Familial amyloid polyneuropathy; Transthyretin Amyloidosis; Hereditary Transthyretin Amyloidosis. Identifiers: Orphanet 85447, Orphanet 85451, MedGen C2751492, MONDO:0971004, OMIM 105210.

Allele frequency attached by ClinVar (database versions not stated): gnomAD 0.00001; TOPMed 0.00001.
gnomAD v4.1: 2 of 1,614,012 alleles (0.00012%); highest among the groups gnomAD compares: Non-Finnish European, 0.000085%; no homozygotes.

Submissions (4):

Labcorp Genetics (formerly Invitae), Labcorp
Classification: Uncertain significance for Amyloidosis, hereditary systemic 1. Last evaluated: 2025-09-23. Review status: criteria provided, single submitter. Criteria: Invitae Variant Classification Sherloc (09022015). Collection method: clinical testing. Allele origin: germline.
Comment: This sequence change replaces isoleucine, which is neutral and non-polar, with threonine, which is neutral and polar, at codon 88 of the TTR protein (p.Ile88Thr). This variant is not present in population databases (gnomAD no frequency). This variant has not been reported in the literature in individuals affected with TTR-related conditions. ClinVar contains an entry for this variant (Variation ID: 572251). Invitae Evidence Modeling of protein sequence and biophysical properties (such as structural, functional, and spatial information, amino acid conservation, physicochemical variation, residue mobility, and thermodynamic stability) indicates that this missense variant is expected to disrupt TTR protein function with a positive predictive value of 80%. This variant disrupts the p.Ile88 amino acid residue in TTR. Other variant(s) that disrupt this residue have been determined to be pathogenic (PMID: 22745357). This suggests that this residue is clinically significant, and that variants that disrupt this residue are likely to be disease-causing. In summary, the available evidence is currently insufficient to determine the role of this variant in disease. Therefore, it has been classified as a Variant of Uncertain Significance.

Ambry Genetics
Classification: Uncertain significance for Cardiovascular phenotype. Last evaluated: 2024-09-26. Review status: criteria provided, single submitter. Criteria: Ambry Variant Classification Scheme 2023. Collection method: clinical testing. Allele origin: germline.
Comment: The p.I88T variant (also known as c.263T>C), located in coding exon 3 of the TTR gene, results from a T to C substitution at nucleotide position 263. The isoleucine at codon 88 is replaced by threonine, an amino acid with similar properties. Another variant at the same codon, p.I88L (c.262A>T), has been detected in individuals with transthyretin (TTR) amyloidosis and related cardiomyopathy, being the third most common TTR pathogenic variant and the most common TTR pathogenic variant with a predominantly cardiac phenotype (Almeida MR et al. Basic Res Cardiol. 1991; 86(6):567-71; Rapezzi C et al. Eur Heart J. 2013; 34(7):520-8). This amino acid position is poorly conserved in available vertebrate species. In addition, the in silico prediction for this alteration is inconclusive. Based on the available evidence, the clinical significance of this variant remains unclear.

ARUP Laboratories, Molecular Genetics and Genomics, ARUP Laboratories
Classification: Uncertain significance. Last evaluated: 2022-01-21. Review status: criteria provided, single submitter. Criteria: ARUP Molecular Germline Variant Investigation Process 2021. Collection method: clinical testing. Allele origin: germline.
Comment: The TTR c.263T>C; p.Ile88Thr variant (rs1567946180), to our knowledge, is not reported in the medical literature but is reported in ClinVar (Variation ID: 572251). This variant is absent from the Genome Aggregation Database, indicating it is not a common polymorphism. The isoleucine at codon 88 is weakly conserved, and computational analyses are uncertain whether this variant is neutral or deleterious (REVEL: 0.496). Additionally, other variants at this codon (c.262A>C; p.Ile88Leu, c.262A>T; p.Ile88Leu) have been reported in individuals with hereditary transthyretin amyloidosis (Damy 2016, Ihse 2013, Iorio 2017, Mauzrizi 2020). However, given the lack of clinical and functional data, the significance of the p.Ile88Thr variant is uncertain at this time. References: Damy T et al. Prevalence and clinical phenotype of hereditary transthyretin amyloid cardiomyopathy in patients with increased left ventricular wall thickness. Eur Heart J. 2016 Jun 14;37(23):1826-34. PMID: 26537620. Ihse E et al. Amyloid fibrils containing fragmented ATTR may be the standard fibril composition in ATTR amyloidosis. Amyloid. 2013 Sep;20(3):142-50. PMID: 23713495. Iorio A et al. Non-coding variants contribute to the clinical heterogeneity of TTR amyloidosis. Eur J Hum Genet. 2017 Sep;25(9):1055-1060. PMID: 28635949. Maurizi N et al. Prevalence of cardiac amyloidosis among adult patients referred to tertiary centres with an initial diagnosis of hypertrophic cardiomyopathy. Int J Cardiol. 2020 Feb 1;300:191-195. PMID: 31371117.

Fulgent Genetics
Classification: Uncertain significance for Amyloidosis, hereditary systemic 1; Carpal tunnel syndrome 1; Hyperthyroxinemia, dystransthyretinemic. Last evaluated: 2021-10-28. Review status: criteria provided, single submitter. Criteria: ACMG Guidelines, 2015. Collection method: clinical testing. Allele origin: unknown.

Literature cited by the submitters: PubMed 22745357 (cited by Labcorp Genetics (formerly Invitae), Labcorp).